The following is an entry in ClinVar:

ClinVar aggregate classification (germline): Uncertain significance (1 of 4 stars; one submission).

Conditions:
Developmental delay with variable intellectual disability and dysmorphic facies. Identifiers: MedGen C5774242, MONDO:0859306, OMIM 620098.

Submission:

OLLIN Analises Genomicas, OLLIN
Classification: Uncertain significance for Developmental delay with variable intellectual disability and dysmorphic facies. Last evaluated: 2026-08-06. Review status: criteria provided, single submitter. Criteria: ACMG Guidelines 2015 PMID 25741868. Collection method: clinical testing. Allele origin: germline.
Comment: This missense variant, located in exon 7 (of 18), is absent from gnomAD and ClinVar and has not been identified in the literature. In silico analysis predicts that this variant has a tolerated effect. According to the currently available evidence, this variant has been classified as uncertain significance (PM2_P, BP4_M).

NM_004973.4(JARID2):c.1106C>G (p.Ser369Cys)

Gene: JARID2 (jumonji and AT-rich interaction domain containing 2; plus strand). Cytogenetic location: 6p22.3.
Variant type: single nucleotide variant.
Coding change: c.1106C>G on transcript NM_004973.4 (MANE Select); coding-DNA position 1106, C replaced by G.
Protein change: p.Ser369Cys; replaces serine 369 with cysteine.
Molecular consequence: missense variant.
Genome position (GRCh38, 1-based): chr6:15,496,331, C>G. VCF-style: chr6-15496331-C-G. GRCh37 (hg19) VCF-style: chr6-15496562-C-G.
Other names: c.590C>G, p.Ser197Cys (NM_001267040.1); short protein forms S197C, S369C.
Identifiers: ClinVar variation 5002950 (VCV005002950.1).